The following is an entry in ClinVar:

NM_000037.4(ANK1):c.4184-2A>G

Gene: ANK1 (ankyrin 1; minus strand). Cytogenetic location: 8p11.21.
Variant type: single nucleotide variant.
Coding change: c.4184-2A>G on transcript NM_000037.4 (MANE Select); the canonical splice acceptor site of the intron before coding-DNA position 4184, A replaced by G.
Molecular consequence: splice acceptor variant.
Genome position (GRCh38, 1-based): chr8:41,688,232, T>C on the plus strand (A>G on the coding strand, the complement: ANK1 is on the minus strand). VCF-style: chr8-41688232-T-C. GRCh37 (hg19) VCF-style: chr8-41545750-T-C.
Other names: p.?; c.4307-2A>G (NM_001142446.2); c.4184-2A>G (NM_020477.3, NM_020475.3, NM_020476.3).
Identifiers: ClinVar variation 2433360 (VCV002433360.5), dbSNP rs2486737272, ClinGen allele CA371057775.

ClinVar aggregate classification (germline): Likely pathogenic. Review status: criteria provided, multiple submitters, no conflicts (2 of 4 stars). 3 submissions from 3 submitters: Likely pathogenic (3). Last evaluated 2025-06-03.

Conditions:
Hereditary spherocytosis type 1. Also called: Spherocytosis type 1; ANK1-Related Spherocytosis. Identifiers: Orphanet 822, MedGen C2674218, MONDO:0008447, OMIM 182900.

Submissions (3):

Mayo Clinic Laboratories, Mayo Clinic
Classification: Likely pathogenic. Last evaluated: 2025-06-03. Review status: criteria provided, single submitter. Criteria: ACMG Guidelines, 2015. Collection method: clinical testing. Allele origin: germline. Observed: 3 variant alleles.

Labcorp Genetics (formerly Invitae), Labcorp
Classification: Likely pathogenic. Last evaluated: 2025-05-22. Review status: criteria provided, single submitter. Criteria: Invitae Variant Classification Sherloc (09022015). Collection method: clinical testing. Allele origin: germline.
Comment: This sequence change affects an acceptor splice site in intron 34 of the ANK1 gene. It is expected to disrupt RNA splicing. Variants that disrupt the donor or acceptor splice site typically lead to a loss of protein function (PMID: 16199547), and loss-of-function variants in ANK1 are known to be pathogenic (PMID: 8640229). This variant is not present in population databases (gnomAD no frequency). This variant has not been reported in the literature in individuals affected with ANK1-related conditions. ClinVar contains an entry for this variant (Variation ID: 2433360). Algorithms developed to predict the effect of sequence changes on RNA splicing suggest that this variant may disrupt the consensus splice site. In summary, the currently available evidence indicates that the variant is pathogenic, but additional data are needed to prove that conclusively. Therefore, this variant has been classified as Likely Pathogenic.

Revvity Omics, Revvity
Classification: Likely pathogenic for Hereditary spherocytosis type 1. Last evaluated: 2023-01-18. Review status: criteria provided, single submitter. Criteria: ACMG Guidelines, 2015. Collection method: clinical testing. Allele origin: germline.

Literature cited by the submitters: PubMed 16199547 (cited by Labcorp Genetics (formerly Invitae), Labcorp); PubMed 8640229 (cited by Labcorp Genetics (formerly Invitae), Labcorp).